The following is an entry in ClinVar:

NM_000256.3(MYBPC3):c.2737+12C>T

Gene: MYBPC3 (myosin binding protein C3; minus strand). Cytogenetic location: 11p11.2.
Variant type: single nucleotide variant.
Coding change: c.2737+12C>T on transcript NM_000256.3 (MANE Select); 12 bases into the intron after coding-DNA position 2737, C replaced by T.
Molecular consequence: intron variant.
Genome position (GRCh38, 1-based): chr11:47,335,865, G>A on the plus strand (C>T on the coding strand, the complement: MYBPC3 is on the minus strand). VCF-style: chr11-47335865-G-A. GRCh37 (hg19) VCF-style: chr11-47357416-G-A.
Identifiers: ClinVar variation 42653 (VCV000042653.73), dbSNP rs3729936, ClinGen allele CA012885.

ClinVar aggregate classification (germline): Benign/Likely benign. Review status: criteria provided, multiple submitters, no conflicts (2 of 4 stars). 17 submissions from 16 submitters: Benign (12); Likely benign (1). 4 of the submissions do not count toward it. Last evaluated 2026-02-04.

Conditions:
Left ventricular noncompaction 10 (LVNC10). Identifiers: Orphanet 154, Orphanet 54260, MedGen C3715165, MONDO:0014163, OMIM 615396.
Hypertrophic cardiomyopathy 4. Also called: Familial hypertrophic cardiomyopathy 4. Identifiers: MedGen C1861862, MONDO:0007268, OMIM 115197.
Hypertrophic cardiomyopathy. Also called: HYPERTROPHIC MYOCARDIOPATHY. Identifiers: Orphanet 217569, MedGen C0007194, MeSH D002312, MONDO:0005045, HP:0001639.

Allele frequency attached by ClinVar (database versions not stated): gnomAD exomes 0.02844 and 0.03315; TOPMed 0.03292; gnomAD 0.03309 and 0.03505; ESP Exome Variant Server 0.03383; 1000 Genomes Project 30x 0.05450; 1000 Genomes Project 0.05471; ExAC 0.10086.

Submissions (17):

Labcorp Genetics (formerly Invitae), Labcorp
Classification: Benign for Hypertrophic cardiomyopathy. Last evaluated: 2026-02-04. Review status: criteria provided, single submitter. Criteria: Invitae Variant Classification Sherloc (09022015). Collection method: clinical testing. Allele origin: germline.

ARUP Laboratories, Molecular Genetics and Genomics, ARUP Laboratories
Classification: Benign. Last evaluated: 2025-06-05. Review status: criteria provided, single submitter. Criteria: ARUP Molecular Germline Variant Investigation Process 2024. Collection method: clinical testing. Allele origin: germline.

Molecular Diagnostic Laboratory for Inherited Cardiovascular Disease, Montreal Heart Institute
Classification: Benign. Last evaluated: 2025-04-09. Review status: criteria provided, single submitter. Criteria: ACMG Guidelines, 2015. Collection method: clinical testing. Allele origin: germline. Affected: no.

Blueprint Genetics
Classification: Likely benign. Last evaluated: 2024-11-27. Review status: criteria provided, single submitter. Criteria: ACMG Guidelines, 2015. Collection method: clinical testing. Allele origin: germline.

Illumina Laboratory Services, Illumina
Classification: Benign for Hypertrophic cardiomyopathy 4. Last evaluated: 2018-01-12. Review status: criteria provided, single submitter. Criteria: ICSL Variant Classification Criteria 13 December 2019. Collection method: clinical testing. Allele origin: germline.
Comment: This variant was observed in the ICSL laboratory as part of a predisposition screen in an ostensibly healthy population. It had not been previously curated by ICSL or reported in the Human Gene Mutation Database (HGMD: prior to June 1st, 2018), and was therefore a candidate for classification through an automated scoring system. Utilizing variant allele frequency, disease prevalence and penetrance estimates, and inheritance mode, an automated score was calculated to assess if this variant is too frequent to cause the disease. Based on the score and internal cut-off values, a variant classified as benign is not then subjected to further curation. The score for this variant resulted in a classification of benign for this disease.

Illumina Laboratory Services, Illumina
Classification: Benign for Left ventricular noncompaction 10. Last evaluated: 2018-01-12. Review status: criteria provided, single submitter. Criteria: ICSL Variant Classification Criteria 13 December 2019. Collection method: clinical testing. Allele origin: germline.
Comment: the same text as in the submission from Illumina Laboratory Services, Illumina above.

Clinical Genetics DNA and cytogenetics Diagnostics Lab, Erasmus MC, Erasmus Medical Center
Classification: Benign for Hypertrophic cardiomyopathy 4. Last evaluated: 2015-09-21. Review status: criteria provided, single submitter. Criteria: ACGS Guidelines, 2013. Collection method: clinical testing. Allele origin: germline. Affected: yes. Study: VKGL Data-share Consensus.

GeneDx
Classification: Benign. Last evaluated: 2015-03-03. Review status: criteria provided, single submitter. Criteria: GeneDx Variant Classification Process June 2021. Collection method: clinical testing. Allele origin: germline. Affected: yes.
Comment: This variant is associated with the following publications: (PMID: 27884173, 23711808)

Genome Diagnostics Laboratory, University Medical Center Utrecht
Classification: Benign for Hypertrophic cardiomyopathy 4. Last evaluated: 2014-10-09. Review status: criteria provided, single submitter. Criteria: ACGS Guidelines, 2013. Collection method: clinical testing. Allele origin: germline. Affected: yes. Study: VKGL Data-share Consensus.

Mayo Clinic Laboratories, Mayo Clinic
Classification: Benign. Last evaluated: 2014-05-12. Review status: criteria provided, single submitter. Criteria: ACMG Guidelines, 2015. Collection method: clinical testing. Allele origin: germline. Observed: 49 variant alleles.

Laboratory for Molecular Medicine, Mass General Brigham Personalized Medicine
Classification: Benign. Last evaluated: 2011-09-23. Review status: criteria provided, single submitter. Criteria: LMM Criteria. Collection method: clinical testing. Allele origin: germline. Observed: 206 variant alleles.

Breakthrough Genomics
Classification: Benign. Review status: criteria provided, single submitter. Criteria: ACMG Guidelines, 2015. Collection method: not provided. Allele origin: germline. Inheritance: Autosomal dominant inheritance. Affected: yes.

PreventionGenetics, part of Exact Sciences
Classification: Benign. Review status: criteria provided, single submitter. Criteria: ACMG Guidelines, 2015. Collection method: clinical testing. Allele origin: germline.

Cohesion Phenomics
Classification: Benign for Hypertrophic cardiomyopathy. Last evaluated: 2022-10-10. Review status: no assertion criteria provided. Criteria: ACMG Guidelines, 2015. Collection method: clinical testing. Allele origin: germline. Affected: yes. Not counted in ClinVar's aggregate classification.

Clinical Genetics, Academic Medical Center
Classification: Benign. Review status: no assertion criteria provided. Collection method: clinical testing. Allele origin: germline. Affected: yes. Study: VKGL Data-share Consensus. Not counted in ClinVar's aggregate classification.

Diagnostic Laboratory, Department of Genetics, University Medical Center Groningen
Classification: Benign for Hypertrophic cardiomyopathy 4. Review status: no assertion criteria provided. Collection method: clinical testing. Allele origin: germline. Affected: yes. Study: VKGL Data-share Consensus. Not counted in ClinVar's aggregate classification.

Joint Genome Diagnostic Labs from Nijmegen and Maastricht, Radboudumc and MUMC+
Classification: Benign. Review status: no assertion criteria provided. Collection method: clinical testing. Allele origin: germline. Affected: yes. Study: VKGL Data-share Consensus. Not counted in ClinVar's aggregate classification.